The following is an entry in ClinVar:

ClinVar aggregate classification (germline): Pathogenic. Review status: criteria provided, multiple submitters, no conflicts (2 of 4 stars). 2 submissions from 2 submitters: Pathogenic (2). Last evaluated 2026-07-29.

Conditions:
Autosomal recessive limb-girdle muscular dystrophy type 2A (LGMDR1). Also called: LEYDEN-MOEBIUS MUSCULAR DYSTROPHY; MUSCULAR DYSTROPHY, PELVOFEMORAL; Limb-girdle muscular dystrophy, type 2A; Calpainopathy; Muscular dystrophy, limb-girdle, type 2A, Amish. Identifiers: Orphanet 267, MedGen C1869123, MONDO:0009675, OMIM 253600. Disease mechanism: loss of function.

Allele frequency attached by ClinVar (database versions not stated): gnomAD exomes below 0.00001.

Submissions (2):

Myriad Genetics, Inc.
Classification: Pathogenic for Autosomal recessive limb-girdle muscular dystrophy type 2A. Last evaluated: 2026-07-29. Review status: criteria provided, single submitter. Criteria: Myriad Autosomal Dominant, Autosomal Recessive and X-Linked Classification Criteria (2023). Collection method: clinical testing. Allele origin: unknown.
Comment: NM_000070.2(CAPN3):c.257delC(S86Ffs*41) is a frameshift variant classified as pathogenic in the context of calpainopathy. S86Ffs*41 has not been observed in cases with relevant disease. Relevant functional assessments of this variant are not available in the literature. S86Ffs*41 has been observed in referenced population frequency databases. In summary, NM_000070.2(CAPN3):c.257delC(S86Ffs*41) is a frameshift variant in a gene where loss of function is a known mechanism of disease and is predicted to disrupt protein function. Please note: this variant was assessed in the context of healthy population screening.

Labcorp Genetics (formerly Invitae), Labcorp
Classification: Pathogenic for Autosomal recessive limb-girdle muscular dystrophy type 2A. Last evaluated: 2022-10-07. Review status: criteria provided, single submitter. Criteria: Invitae Variant Classification Sherloc (09022015). Collection method: clinical testing. Allele origin: germline.
Comment: For these reasons, this variant has been classified as Pathogenic. This variant has not been reported in the literature in individuals affected with CAPN3-related conditions. This variant is present in population databases (no rsID available, gnomAD 0.003%). This sequence change creates a premature translational stop signal (p.Ser86Phefs*41) in the CAPN3 gene. It is expected to result in an absent or disrupted protein product. Loss-of-function variants in CAPN3 are known to be pathogenic (PMID: 10330340, 15689361).

Literature cited by the submitters: PubMed 10330340 (cited by Labcorp Genetics (formerly Invitae), Labcorp); PubMed 15689361 (cited by Labcorp Genetics (formerly Invitae), Labcorp).

NM_000070.3(CAPN3):c.257del (p.Ser86fs)

Gene: CAPN3 (calpain 3; plus strand). Cytogenetic location: 15q15.1.
Variant type: Deletion.
Coding change: c.257del on transcript NM_000070.3 (MANE Select); coding-DNA position 257, one base deleted (C; older notation c.257delC).
Protein change: p.Ser86fs; shifts the reading frame from serine 86.
Molecular consequence: frameshift variant.
Genome position (GRCh38, 1-based): chr15:42,360,062, C deleted. VCF-style (leftmost placement, unchanged base first): chr15-42360061-TC-T. GRCh37 (hg19) VCF-style: chr15-42652259-TC-T.
Other names: c.257del, p.Ser86fs (NM_024344.2, NM_173087.2); short protein forms S86fs.
Identifiers: ClinVar variation 1933829 (VCV001933829.6), dbSNP rs1278045166, ClinGen allele CA618001483.